The following is an entry in ClinVar:

NM_001199753.2(CPT1C):c.1331G>C (p.Arg444Pro)

Gene: CPT1C (carnitine palmitoyltransferase 1C; plus strand). Cytogenetic location: 19q13.33.
Variant type: single nucleotide variant.
Coding change: c.1331G>C on transcript NM_001199753.2 (MANE Select); coding-DNA position 1331, G replaced by C.
Protein change: p.Arg444Pro; replaces arginine 444 with proline.
Molecular consequence: missense variant. On other transcripts: non-coding transcript variant (1).
Genome position (GRCh38, 1-based): chr19:49,706,401, G>C. VCF-style: chr19-49706401-G-C. GRCh37 (hg19) VCF-style: chr19-50209658-G-C.
Other names: c.1298G>C, p.Arg433Pro (NM_001136052.3, NM_001378485.1, NM_001378487.1); c.1331G>C, p.Arg444Pro (NM_001199752.3, NM_001378483.1, NM_001378484.1 and 3 more transcripts); c.1397G>C, p.Arg466Pro (NM_001378482.1); short protein forms R433P, R444P, R466P.
Identifiers: ClinVar variation 3339334 (VCV003339334.1).

ClinVar aggregate classification (germline): Uncertain significance (1 of 4 stars; one submission).

Submission:

Women's Health and Genetics/Laboratory Corporation of America, LabCorp
Classification: Uncertain significance. Last evaluated: 2024-07-25. Review status: criteria provided, single submitter. Criteria: LabCorp Variant Classification Summary - May 2015. Collection method: clinical testing. Allele origin: germline.
Comment: Variant summary: CPT1C c.1298G>C (p.Arg433Pro) results in a non-conservative amino acid change located in the Choline/carnitine acyltransferase domain (IPR039551) of the encoded protein sequence. Three of five in-silico tools predict a benign effect of the variant on protein function. The frequency data for this variant in gnomAD is considered unreliable, as metrics indicate poor data quality at this position. To our knowledge, no occurrence of c.1298G>C in individuals affected with Hereditary Spastic Paraplegia 73 and no experimental evidence demonstrating its impact on protein function have been reported. No submitters have cited clinical-significance assessments for this variant to ClinVar. Based on the evidence outlined above, the variant was classified as uncertain significance.